The following is an entry in ClinVar:

NM_018668.5(VPS33B):c.1708G>A (p.Val570Met)

Gene: VPS33B (VPS33B late endosome and lysosome associated; minus strand). Cytogenetic location: 15q26.1.
Variant type: single nucleotide variant.
Coding change: c.1708G>A on transcript NM_018668.5 (MANE Select); coding-DNA position 1708, G replaced by A.
Protein change: p.Val570Met; replaces valine 570 with methionine.
Molecular consequence: missense variant.
Genome position (GRCh38, 1-based): chr15:90,999,743, C>T on the plus strand (G>A on the coding strand, the complement: VPS33B is on the minus strand). VCF-style: chr15-90999743-C-T. GRCh37 (hg19) VCF-style: chr15-91542973-C-T.
Other names: c.1627G>A, p.Val543Met (NM_001289148.1); c.1435G>A, p.Val479Met (NM_001289149.1); short protein forms V479M, V543M, V570M.
Identifiers: ClinVar variation 3375423 (VCV003375423.1).
Genomic context (GRCh38, chr15:90,999,743, plus strand): 5'-CTCTGCCCAGGAACCGGAGGGCTGAGATCTCAGAGAATGTACAACCACCCAAGAACACCA[C>T]CAAGATGAGGCGCAGGGACTCACTGGAAGCCTTGTCTTCCTTAGTCATATCTGTGAGGAT-3'
Protein context (NP_061138.3, residues 560-580): ASSESLRLIL[Val570Met]VFLGGCTFSE

ClinVar aggregate classification (germline): Uncertain significance (1 of 4 stars; one submission).

Submission:

Women's Health and Genetics/Laboratory Corporation of America, LabCorp
Classification: Uncertain significance. Last evaluated: 2024-09-30. Review status: criteria provided, single submitter. Criteria: LabCorp Variant Classification Summary - May 2015. Collection method: clinical testing. Allele origin: germline.
Comment: Variant summary: VPS33B c.1708G>A (p.Val570Met) results in a conservative amino acid change in the encoded protein sequence. Four of five in-silico tools predict a damaging effect of the variant on protein function. The variant was absent in 251490 control chromosomes. The available data on variant occurrences in the general population are insufficient to allow any conclusion about variant significance. To our knowledge, no occurrence of c.1708G>A in individuals affected with VPS33B-Related Disorders and no experimental evidence demonstrating its impact on protein function have been reported. No submitters have cited clinical-significance assessments for this variant to ClinVar. Based on the evidence outlined above, the variant was classified as uncertain significance.